The following is an entry in ClinVar:

NM_002340.6(LSS):c.1547A>G (p.Asn516Ser)

Gene: LSS (lanosterol synthase; minus strand). Cytogenetic location: 21q22.3.
Variant type: single nucleotide variant.
Coding change: c.1547A>G on transcript NM_002340.6 (MANE Select); coding-DNA position 1547, A replaced by G.
Protein change: p.Asn516Ser; replaces asparagine 516 with serine.
Molecular consequence: missense variant.
Genome position (GRCh38, 1-based): chr21:46,206,689, T>C on the plus strand (A>G on the coding strand, the complement: LSS is on the minus strand). VCF-style: chr21-46206689-T-C. GRCh37 (hg19) VCF-style: chr21-47626603-T-C.
Other names: c.1547A>G, p.Asn516Ser (NM_001001438.3); c.1514A>G, p.Asn505Ser (NM_001145436.2); c.1307A>G, p.Asn436Ser (NM_001145437.2); c.1307A>G (NM_001145437.1); short protein forms N516S, N505S, N436S.
Identifiers: ClinVar variation 834064 (VCV000834064.5), dbSNP rs148141905, ClinGen allele CA321995115.

ClinVar aggregate classification (germline): Likely pathogenic. Review status: criteria provided, multiple submitters, no conflicts (2 of 4 stars). 3 submissions from 3 submitters: Likely pathogenic (2). 1 of the submissions does not count toward it. Last evaluated 2023-12-04.

Conditions:
LSS-related disorder. Also called: LSS-related condition.
Alopecia-intellectual disability syndrome 4. Also called: ALOPECIA-MENTAL RETARDATION SYNDROME 4. Identifiers: MedGen C5394241, MONDO:0030009, OMIM 618840.

Allele frequency attached by ClinVar (database versions not stated): gnomAD 0.00001; gnomAD exomes 0.00001; ESP Exome Variant Server 0.00008.
gnomAD v4.1: 19 of 1,612,148 alleles (0.0012%); highest among the groups gnomAD compares: Non-Finnish European, 0.0016%; no homozygotes.

Submissions (3):

Blueprint Genetics
Classification: Likely pathogenic for LSS-related disorders. Last evaluated: 2023-12-04. Review status: criteria provided, single submitter. Criteria: ACMG Guidelines, 2015. Collection method: clinical testing. Allele origin: germline. Affected: yes. Observed: 2 variant alleles.

GeneDx
Classification: Likely pathogenic. Last evaluated: 2023-09-11. Review status: criteria provided, single submitter. Criteria: GeneDx Variant Classification Process June 2021. Collection method: clinical testing. Allele origin: germline. Affected: yes.
Comment: Published functional studies demonstrate a damaging effect, as transfected cells did not show any catalytic activity for this variant using gas chromatography mass spectrometry assay or thin layer chromatography assay (PMID: 36811447, 35413293); In silico analysis supports that this missense variant has a deleterious effect on protein structure/function; Not observed at significant frequency in large population cohorts (gnomAD); This variant is associated with the following publications: (PMID: 35413293, 36685177, 33881165, 33222230, 33155697, 37659595, 30723320, 36811447)

OMIM
Classification: Pathogenic for ALOPECIA-INTELLECTUAL DISABILITY SYNDROME 4. Last evaluated: 2022-02-10. Review status: no assertion criteria provided. Collection method: literature only. Allele origin: germline. Not counted in ClinVar's aggregate classification.

Literature cited by the submitters: Besnard, T., Sloboda, N., Goldenberg, A., Kury, S., Cogne, B., Breheret, F., Trochu, E., Conrad, S., Vincent, M., Deb, W., Balguerie, X., Barbarot, S., and 27 others Biallelic pathogenic variants in the lanosterol synthase gene LSS involved in the cholesterol biosynthesis cause alopecia with intellectual disability, a rare recessive neuroectodermal syndrome. Genet. Med. 21: 2025-2035, 2019. (cited by OMIM).